The following is an entry in ClinVar:

ClinVar aggregate classification (germline): Uncertain significance (1 of 4 stars; one submission).

Conditions:
Renal cell carcinoma. Identifiers: Orphanet 217071, MedGen C0007134, MeSH D002292, MONDO:0005086, HP:0005584.

Submission:

Labcorp Genetics (formerly Invitae), Labcorp
Classification: Uncertain significance for Renal cell carcinoma. Last evaluated: 2022-05-27. Review status: criteria provided, single submitter. Criteria: Invitae Variant Classification Sherloc (09022015). Collection method: clinical testing. Allele origin: germline.
Comment: This variant has not been reported in the literature in individuals affected with MET-related conditions. In summary, the available evidence is currently insufficient to determine the role of this variant in disease. Therefore, it has been classified as a Variant of Uncertain Significance. Algorithms developed to predict the effect of missense changes on protein structure and function (SIFT, PolyPhen-2, Align-GVGD) all suggest that this variant is likely to be disruptive. This variant is not present in population databases (gnomAD no frequency). This sequence change replaces glycine, which is neutral and non-polar, with alanine, which is neutral and non-polar, at codon 1103 of the MET protein (p.Gly1103Ala).

NM_000245.4(MET):c.3254G>C (p.Gly1085Ala)

Gene: MET (MET proto-oncogene, receptor tyrosine kinase; plus strand). Cytogenetic location: 7q31.2.
Variant type: single nucleotide variant.
Coding change: c.3254G>C on transcript NM_000245.4 (MANE Select); coding-DNA position 3254, G replaced by C.
Protein change: p.Gly1085Ala; replaces glycine 1085 with alanine.
Molecular consequence: missense variant.
Genome position (GRCh38, 1-based): chr7:116,775,106, G>C. VCF-style: chr7-116775106-G-C. GRCh37 (hg19) VCF-style: chr7-116415160-G-C.
Other names: c.3308G>C, p.Gly1103Ala (NM_001127500.3); c.1964G>C, p.Gly655Ala (NM_001324402.2); short protein forms G655A, G1085A, G1103A.
Identifiers: ClinVar variation 1999262 (VCV001999262.4), dbSNP rs1562931818, ClinGen allele CA368988853.
Genomic context (GRCh38, chr7:116,775,106, plus strand): 5'-CAGTGCAGCATGTAGTGATTGGGCCCAGTAGCCTGATTGTGCATTTCAATGAAGTCATAG[G>C]AAGAGGTAAGTATTTCCACTCAGCTTTTTGTTAAATACGATTTTCCAGTAAGCATTTTAT-3'
Protein context (NP_000236.2, residues 1075-1095): SLIVHFNEVI[Gly1085Ala]RGHFGCVYHG